The following is an entry in ClinVar:

NM_006509.4(RELB):c.504+4G>A

Gene: RELB (RELB proto-oncogene, NF-kB subunit; plus strand). Cytogenetic location: 19q13.32.
Variant type: single nucleotide variant.
Coding change: c.504+4G>A on transcript NM_006509.4 (MANE Select); 4 bases into the intron after coding-DNA position 504, G replaced by A.
Molecular consequence: intron variant.
Genome position (GRCh38, 1-based): chr19:45,012,280, G>A. VCF-style: chr19-45012280-G-A. GRCh37 (hg19) VCF-style: chr19-45515538-G-A.
Other names: c.495+4G>A (NM_001411087.1).
Identifiers: ClinVar variation 4714547 (VCV004714547.1).
Genomic context (GRCh38, chr19:45,012,280, plus strand): 5'-GGCAGCATCCTTGGGGAGAGCAGCACCGAGGCCAGCAAGACGCTGCCCGCCATCGAGGTG[G>A]GCCCGGCGAGCGGCCCCGGGCGGGTGGGACTGGGGCTTCCCCTGCACCCCGGAGCCATCC-3'

ClinVar aggregate classification (germline): Uncertain significance (1 of 4 stars; one submission).

Submission:

Labcorp Genetics (formerly Invitae), Labcorp
Classification: Uncertain significance. Last evaluated: 2025-07-20. Review status: criteria provided, single submitter. Criteria: Invitae Variant Classification Sherloc (09022015). Collection method: clinical testing. Allele origin: germline.
Comment: This sequence change falls in intron 4 of the RELB gene. It does not directly change the encoded amino acid sequence of the RELB protein. It affects a nucleotide within the consensus splice site. This variant is not present in population databases (gnomAD no frequency). This variant has not been reported in the literature in individuals affected with RELB-related conditions. Variants that disrupt the consensus splice site are a relatively common cause of aberrant splicing (PMID: 17576681, 9536098). Algorithms developed to predict the effect of sequence changes on RNA splicing suggest that this variant is not likely to affect RNA splicing. In summary, the available evidence is currently insufficient to determine the role of this variant in disease. Therefore, it has been classified as a Variant of Uncertain Significance.

Literature cited by the submitters: PubMed 17576681; PubMed 9536098.